The following is an entry in ClinVar:

ClinVar aggregate classification (germline): Conflicting classifications of pathogenicity. Review status: criteria provided, conflicting classifications (1 of 4 stars). 3 submissions from 3 submitters: Pathogenic (1); Uncertain significance (1). 1 of the submissions does not count toward it. Last evaluated 2025-01-15.

Conditions:
Ornithine aminotransferase deficiency (GACR). Also called: OKT DEFICIENCY; Ornithine ketoacid aminotransferase deficiency; Gyrate atrophy; Gyrate atrophy of choroid and retina; Girate atrophy of the retina; HYPERORNITHINEMIA WITH GYRATE ATROPHY OF CHOROID AND RETINA. Identifiers: Orphanet 414, MedGen C0018425, MONDO:0009796, OMIM 258870.

Submissions (3):

Labcorp Genetics (formerly Invitae), Labcorp
Classification: Pathogenic for Ornithine aminotransferase deficiency. Last evaluated: 2025-01-15. Review status: criteria provided, single submitter. Criteria: Invitae Variant Classification Sherloc (09022015). Collection method: clinical testing. Allele origin: germline.
Comment: This variant, c.472_486del, results in the deletion of 5 amino acid(s) of the OAT protein (p.Tyr158_Gly162del), but otherwise preserves the integrity of the reading frame. This variant is not present in population databases (gnomAD no frequency). This variant has been observed in individual(s) with gyrate atrophy of the choroid and retina (PMID: 1301936). ClinVar contains an entry for this variant (Variation ID: 56129). Experimental studies and prediction algorithms are not available or were not evaluated, and the functional significance of this variant is currently unknown. This variant disrupts a region of the OAT protein in which other variant(s) (p.Tyr158Ser) have been determined to be pathogenic (PMID: 29757052). This suggests that this is a clinically significant region of the protein, and that variants that disrupt it are likely to be disease-causing. For these reasons, this variant has been classified as Pathogenic.

Blueprint Genetics
Classification: Uncertain significance. Last evaluated: 2020-08-05. Review status: criteria provided, single submitter. Criteria: ACMG Guidelines, 2015. Collection method: clinical testing. Allele origin: germline.

Juha Muilu Group; Institute for Molecular Medicine Finland (FIMM)
Classification: Likely pathogenic for Ornithine aminotransferase deficiency. Review status: no assertion criteria provided. Collection method: not provided. Allele origin: unknown. Not counted in ClinVar's aggregate classification.
Comment: FinDis database variant: This variant was not found or characterized by our laboratory, data were collected from public sources: see reference
ClinVar note: Converted during submission from probable-pathogenic to Likely pathogenic.

Literature cited by the submitters: PubMed 1301936 (cited by Labcorp Genetics (formerly Invitae), Labcorp); PubMed 29757052 (cited by Labcorp Genetics (formerly Invitae), Labcorp).

NM_000274.4(OAT):c.472_486del (p.Tyr158_Gly162del)

Gene: OAT (ornithine aminotransferase; minus strand). Cytogenetic location: 10q26.13.
Variant type: Deletion.
Coding change: c.472_486del on transcript NM_000274.4 (MANE Select); coding-DNA positions 472 to 486, 15 bases deleted (TATACCGTGAAGGGC).
Protein change: p.Tyr158_Gly162del.
Molecular consequence: inframe deletion. On other transcripts: 5 prime UTR variant (1), intron variant (1).
Genome position (GRCh38, 1-based): chr10:124,408,576-124,408,590, GCCCTTCACGGTATA deleted on the plus strand (TATACCGTGAAGGGC on the coding strand, the reverse complement: OAT is on the minus strand); deleting any 15 consecutive bases within chr10:124,408,576-124,408,594 gives the same sequence; the c. name uses the placement nearest the transcript's 3' end. VCF-style (leftmost placement, unchanged base first): chr10-124408575-TGCCCTTCACGGTATA-T. GRCh37 (hg19) VCF-style: chr10-126097144-TGCCCTTCACGGTATA-T.
Other names: c.58_72del, p.Tyr20_Gly24del (NM_001171814.2); c.472_486del, p.Tyr158_Gly162del (NM_001322965.2, NM_001322966.2, NM_001322967.2 and 3 more transcripts); c.-243_-229del (NM_001322974.2); c.200-3027_200-3013del (NM_001322971.2); c.472_486delTATACCGTGAAGGGC (NM_000274.3).
Identifiers: ClinVar variation 56129 (VCV000056129.7), dbSNP rs386833611, ClinGen allele CA144161.